The following is an entry in ClinVar:

ClinVar aggregate classification (germline): Likely benign (1 of 4 stars; one submission).

Conditions:
Cardiomyopathy (CMYO). Also called: Cardiomyopathies. Identifiers: Orphanet 167848, MedGen C0878544, MONDO:0004994, HP:0001638. Inheritance: Various modes of inheritance.

Submission:

All of Us Research Program, National Institutes of Health
Classification: Likely benign for Cardiomyopathy. Last evaluated: 2023-09-17. Review status: criteria provided, single submitter. Criteria: ACMG Guidelines, 2015. Collection method: clinical testing. Allele origin: germline. Inheritance: Autosomal dominant inheritance. Observed: 1 variant allele, 1 heterozygote.
Comment: This study involves interpretation of variants in research participants for the purpose of population health screening. Participant phenotype was not available at the time of variant classification. Additional details can be found in publication PMID: 35346344, PMCID: PMC8962531

NM_000257.4(MYH7):c.2424-15A>G

Genes: MYH7 (myosin heavy chain 7; minus strand), LOC126861898 (BRD4-independent group 4 enhancer GRCh37_chr14:23893609-23894808; plus strand). Cytogenetic location: 14q11.2.
Variant type: single nucleotide variant.
Coding change: c.2424-15A>G on transcript NM_000257.4 (MANE Select); 15 bases into the intron before coding-DNA position 2424, A replaced by G.
Molecular consequence: intron variant.
Genome position (GRCh38, 1-based): chr14:23,425,039, T>C on the plus strand (A>G on the coding strand, the complement: MYH7 is on the minus strand). VCF-style: chr14-23425039-T-C. GRCh37 (hg19) VCF-style: chr14-23894248-T-C.
Other names: c.2424-15A>G (NM_001407004.1).
Identifiers: ClinVar variation 3073392 (VCV003073392.1), dbSNP rs2502284538, ClinGen allele CA2825002217.